The following is an entry in ClinVar:

NM_001378457.1(DMXL2):c.1855G>C (p.Gly619Arg)

Gene: DMXL2 (Dmx like 2; minus strand). Cytogenetic location: 15q21.2.
Variant type: single nucleotide variant.
Coding change: c.1855G>C on transcript NM_001378457.1 (MANE Select); coding-DNA position 1855, G replaced by C.
Protein change: p.Gly619Arg; replaces glycine 619 with arginine.
Molecular consequence: missense variant. On other transcripts: non-coding transcript variant (2).
Genome position (GRCh38, 1-based): chr15:51,536,625, C>G on the plus strand (G>C on the coding strand, the complement: DMXL2 is on the minus strand). VCF-style: chr15-51536625-C-G. GRCh37 (hg19) VCF-style: chr15-51828822-C-G.
Other names: c.1855G>C, p.Gly619Arg (NM_001174116.3, NM_001174117.3, NM_001378458.1 and 6 more transcripts); c.1615G>C, p.Gly539Arg (NM_001378464.1); short protein forms G619R, G539R.
Identifiers: ClinVar variation 2130450 (VCV002130450.2), dbSNP rs1442464152, ClinGen allele CA392467480.

ClinVar aggregate classification (germline): Uncertain significance (1 of 4 stars; one submission).

Allele frequency attached by ClinVar (database versions not stated): gnomAD exomes below 0.00001; gnomAD 0.00002.
gnomAD v4.1: 6 of 1,613,932 alleles (0.00037%); highest among the groups gnomAD compares: Admixed American, 0.0017%; no homozygotes.

Submission:

Labcorp Genetics (formerly Invitae), Labcorp
Classification: Uncertain significance. Last evaluated: 2022-04-25. Review status: criteria provided, single submitter. Criteria: Invitae Variant Classification Sherloc (09022015). Collection method: clinical testing. Allele origin: germline.
Comment: This sequence change replaces glycine, which is neutral and non-polar, with arginine, which is basic and polar, at codon 619 of the DMXL2 protein (p.Gly619Arg). This variant is present in population databases (no rsID available, gnomAD 0.0009%). This variant has not been reported in the literature in individuals affected with DMXL2-related conditions. Algorithms developed to predict the effect of missense changes on protein structure and function are either unavailable or do not agree on the potential impact of this missense change (SIFT: "Deleterious"; PolyPhen-2: "Probably Damaging"; Align-GVGD: "Class C0"). In summary, the available evidence is currently insufficient to determine the role of this variant in disease. Therefore, it has been classified as a Variant of Uncertain Significance.